The following is an entry in ClinVar:

NM_001369268.1(ACAN):c.1108A>G (p.Ile370Val)

Gene: ACAN (aggrecan; plus strand). Cytogenetic location: 15q26.1.
Variant type: single nucleotide variant.
Coding change: c.1108A>G on transcript NM_001369268.1 (MANE Select); coding-DNA position 1108, A replaced by G.
Protein change: p.Ile370Val; replaces isoleucine 370 with valine.
Molecular consequence: missense variant.
Genome position (GRCh38, 1-based): chr15:88,845,561, A>G. VCF-style: chr15-88845561-A-G. GRCh37 (hg19) VCF-style: chr15-89388792-A-G.
Other names: c.1108A>G, p.Ile370Val (NM_001135.4, NM_001411096.1, NM_001411097.1 and 1 more transcripts); short protein forms I370V.
Identifiers: ClinVar variation 4703527 (VCV004703527.1).

ClinVar aggregate classification (germline): Uncertain significance (1 of 4 stars; one submission).

gnomAD v4.1: 1 of 1,613,754 alleles (0.000062%); highest among the groups gnomAD compares: African/African-American, 0.0013%; no homozygotes.

Submission:

Labcorp Genetics (formerly Invitae), Labcorp
Classification: Uncertain significance. Last evaluated: 2025-04-24. Review status: criteria provided, single submitter. Criteria: Invitae Variant Classification Sherloc (09022015). Collection method: clinical testing. Allele origin: germline.
Comment: This sequence change replaces isoleucine, which is neutral and non-polar, with valine, which is neutral and non-polar, at codon 370 of the ACAN protein (p.Ile370Val). This variant is not present in population databases (gnomAD no frequency). This variant has not been reported in the literature in individuals affected with ACAN-related conditions. Invitae Evidence Modeling of protein sequence and biophysical properties (such as structural, functional, and spatial information, amino acid conservation, physicochemical variation, residue mobility, and thermodynamic stability) indicates that this missense variant is not expected to disrupt ACAN protein function with a negative predictive value of 80%. In summary, the available evidence is currently insufficient to determine the role of this variant in disease. Therefore, it has been classified as a Variant of Uncertain Significance.